The following is an entry in ClinVar:

ClinVar aggregate classification (germline): Conflicting classifications of pathogenicity. Review status: criteria provided, conflicting classifications (1 of 4 stars). 5 submissions from 5 submitters: Uncertain significance (4); Likely benign (1). Last evaluated 2026-02-24.

Conditions:
Arrhythmogenic right ventricular dysplasia 2. Identifiers: MedGen C1832931.
Catecholaminergic polymorphic ventricular tachycardia 1. Also called: VENTRICULAR TACHYCARDIA, STRESS-INDUCED POLYMORPHIC 1; VENTRICULAR TACHYCARDIA, CATECHOLAMINERGIC POLYMORPHIC, 1, WITH OR WITHOUT ATRIAL DYSFUNCTION AND/OR DILATED CARDIOMYOPATHY; RYR2-Related Catecholaminergic Polymorphic Ventricular Tachycardia. Identifiers: Orphanet 3286, MedGen C1631597, MONDO:0011484, OMIM 604772.
Ventricular arrhythmias due to cardiac ryanodine receptor calcium release deficiency syndrome. Also called: Autosomal dominant cardiac arrhythmia (Kuhn). Identifiers: MedGen C5542154, MONDO:0020745, OMIM 115000.
Cardiovascular phenotype. Identifiers: MedGen CN230736.
Cardiomyopathy (CMYO). Also called: Cardiomyopathies. Identifiers: Orphanet 167848, MedGen C0878544, MONDO:0004994, HP:0001638. Inheritance: Various modes of inheritance.

Allele frequency attached by ClinVar (database versions not stated): gnomAD exomes below 0.00001; gnomAD 0.00002; TOPMed 0.00002.
gnomAD v4.1: 6 of 1,602,412 alleles (0.00037%); highest among the groups gnomAD compares: African/African-American, 0.008%; no homozygotes.

Submissions (5):

Ambry Genetics
Classification: Uncertain significance for Cardiovascular phenotype. Last evaluated: 2026-02-24. Review status: criteria provided, single submitter. Criteria: Ambry Variant Classification Scheme 2023. Collection method: clinical testing. Allele origin: germline.
Comment: The p.Q1293E variant (also known as c.3877C>G), located in coding exon 31 of the RYR2 gene, results from a C to G substitution at nucleotide position 3877. The glutamine at codon 1293 is replaced by glutamic acid, an amino acid with highly similar properties. This amino acid position is conserved. In addition, the in silico prediction for this alteration is inconclusive. Based on the available evidence, the clinical significance of this variant remains unclear.

Labcorp Genetics (formerly Invitae), Labcorp
Classification: Likely benign for Catecholaminergic polymorphic ventricular tachycardia 1. Last evaluated: 2025-10-27. Review status: criteria provided, single submitter. Criteria: Invitae Variant Classification Sherloc (09022015). Collection method: clinical testing. Allele origin: germline.

Color Diagnostics, LLC DBA Color Health
Classification: Uncertain significance for Cardiomyopathy. Last evaluated: 2025-07-22. Review status: criteria provided, single submitter. Criteria: ACMG Guidelines, 2015. Collection method: clinical testing. Allele origin: germline.
Comment: This missense variant replaces glutamine with glutamic acid at codon 1293 of the RYR2 protein. Computational prediction is inconclusive regarding the impact of this variant on protein structure and function. To our knowledge, functional studies have not been reported for this variant. This variant has not been reported in individuals affected with RYR2-related disorders in the literature. This variant has been identified in 2/274142 chromosomes in the general population by the Genome Aggregation Database (gnomAD). The available evidence is insufficient to determine the role of this variant in disease conclusively. Therefore, this variant is classified as a Variant of Uncertain Significance.

Fulgent Genetics
Classification: Uncertain significance for Ventricular arrhythmias due to cardiac ryanodine receptor calcium release deficiency syndrome; Catecholaminergic polymorphic ventricular tachycardia 1. Last evaluated: 2021-10-20. Review status: criteria provided, single submitter. Criteria: ACMG Guidelines, 2015. Collection method: clinical testing. Allele origin: unknown.

Center for Genomics, Ann and Robert H. Lurie Children's Hospital of Chicago
Classification: Uncertain significance for Catecholaminergic polymorphic ventricular tachycardia 1; Ventricular arrhythmias due to cardiac ryanodine receptor calcium release deficiency syndrome. Review status: criteria provided, single submitter. Criteria: ACMG Guidelines, 2015. Collection method: clinical testing. Allele origin: germline.
Comment: RYR2 NM_001035.2 exon 31 p.Gln1293Glu (c.3877C>G): This variant has not been reported in the literature but is present in 2/23972 African alleles in the Genome Aggregation Database. Evolutionary conservation and computational predictive tools for this variant are unclear. In summary, data on this variant is insufficient for disease classification. Therefore, the clinical significance of this variant is uncertain.

NM_001035.3(RYR2):c.3877C>G (p.Gln1293Glu)

Genes: RYR2 (ryanodine receptor 2; plus strand), LOC126806067 (BRD4-independent group 4 enhancer GRCh37_chr1:237753258-237754457; plus strand). Cytogenetic location: 1q43.
Variant type: single nucleotide variant.
Coding change: c.3877C>G on transcript NM_001035.3 (MANE Select); coding-DNA position 3877, C replaced by G.
Protein change: p.Gln1293Glu; replaces glutamine 1293 with glutamic acid.
Molecular consequence: missense variant.
Genome position (GRCh38, 1-based): chr1:237,590,709, C>G. VCF-style: chr1-237590709-C-G. GRCh37 (hg19) VCF-style: chr1-237754009-C-G.
Other names: c.3877C>G, p.Gln1293Glu (LRG_402t1); short protein forms Q1293E.
Identifiers: ClinVar variation 574960 (VCV000574960.10), dbSNP rs962100875, ClinGen allele CA39802811.